The following is an entry in ClinVar:

ClinVar aggregate classification (germline): Likely benign. Review status: criteria provided, multiple submitters, no conflicts (2 of 4 stars). 4 submissions from 4 submitters: Likely benign (3). 1 of the submissions does not count toward it. Last evaluated 2026-05-01.

Conditions:
VPS13B-related disorder. Also called: VPS13B-related condition.
Cohen syndrome (COH1). Also called: Cutis verticis gyrata, retinitis pigmentosa, and sensorineural deafness; PEPPER SYNDROME. Identifiers: Orphanet 193, MedGen C0265223, MONDO:0008999, OMIM 216550.

gnomAD v4.1: 9 of 1,613,090 alleles (0.00056%); highest among the groups gnomAD compares: Admixed American, 0.0033%; no homozygotes.

Submissions (4):

CeGaT Center for Human Genetics Tuebingen
Classification: Likely benign. Last evaluated: 2026-05-01. Review status: criteria provided, single submitter. Criteria: CeGaT Center For Human Genetics Tuebingen Variant Classification Criteria Version 2. Collection method: clinical testing. Allele origin: germline. Affected: yes. Observed: 1 variant allele.
Comment: VPS13B: BP4, BP7

Labcorp Genetics (formerly Invitae), Labcorp
Classification: Likely benign for Cohen syndrome. Last evaluated: 2025-02-26. Review status: criteria provided, single submitter. Criteria: Invitae Variant Classification Sherloc (09022015). Collection method: clinical testing. Allele origin: germline.

Genetic Services Laboratory, University of Chicago
Classification: Likely benign. Last evaluated: 2021-07-23. Review status: criteria provided, single submitter. Criteria: ACMG Guidelines, 2015. Collection method: clinical testing. Allele origin: germline. Affected: no.

PreventionGenetics, part of Exact Sciences
Classification: Likely benign for VPS13B-related condition. Last evaluated: 2023-09-19. Review status: no assertion criteria provided. Collection method: clinical testing. Allele origin: germline. Not counted in ClinVar's aggregate classification.
Comment: This variant is classified as likely benign based on ACMG/AMP sequence variant interpretation guidelines (Richards et al. 2015 PMID: 25741868, with internal and published modifications).

NM_152564.5(VPS13B):c.9300A>G (p.Leu3100=)

Gene: VPS13B (vacuolar protein sorting 13 homolog B; plus strand). Cytogenetic location: 8q22.2.
Variant type: single nucleotide variant.
Coding change: c.9300A>G on transcript NM_152564.5 (MANE Select); coding-DNA position 9300, A replaced by G.
Protein change: p.Leu3100=; no amino-acid change (leucine 3100 retained).
Molecular consequence: synonymous variant.
Genome position (GRCh38, 1-based): chr8:99,823,948, A>G. VCF-style: chr8-99823948-A-G. GRCh37 (hg19) VCF-style: chr8-100836176-A-G.
Other names: c.9375A>G, p.Leu3125= (NM_017890.5); c.9300A>G (NM_152564.4).
Identifiers: ClinVar variation 1141986 (VCV001141986.15), dbSNP rs143974238, ClinGen allele CA4824661.